The following is an entry in ClinVar:

ClinVar aggregate classification (germline): Uncertain significance (3 of 4 stars; one submission).

Conditions:
Monogenic diabetes. Identifiers: Orphanet 183625, MedGen C3888631, MONDO:0015967.

Submission:

ClinGen Monogenic Diabetes Variant Curation Expert Panel
Classification: Uncertain significance for Monogenic diabetes. Last evaluated: 2025-11-26. Review status: reviewed by expert panel. Criteria: ClinGen Diabetes ACMG Specifications HNF1A V3.1.0. Collection method: curation. Allele origin: germline. Inheritance: Autosomal dominant inheritance.
Comment: The c.683A>G variant in the HNF1 homeobox A gene, HNF1A, causes an amino acid change of glutamic acid to glycine at codon 228 (p.(Glu228Gly)) of NM_000545.8. This variant is predicted to be deleterious by computational evidence, with a REVEL score of 0.8659, which is greater than the MDEP threshold of 0.7 (PP3). Additionally, this variant is located within the DNA binding domain (codons 107-174 and 201-280) of HNF1A, which is defined as critical for the protein’s function by the ClinGen MDEP (PM1_Supporting).This variant is absent from gnomAD v4.1.0 (PM2_Supporting). Lastly, this variant was identified in 5 unrelated individuals with non-autoimmune and non-absolute/near-absolute insulin-deficient diabetes (PS4_Moderate; internal lab contributors). In summary, c.683A>G meets the criteria to be classified as a variant of uncertain significance for monogenic diabetes. ACMG/AMP criteria applied, as specified by the ClinGen MDEP (specification version 3.1.0, approved 10/10/2025): PP3, PM1_Supporting, PM2_Supporting, PS4_Moderate.

NM_000545.8(HNF1A):c.683A>G (p.Glu228Gly)

Gene: HNF1A (HNF1 homeobox A; plus strand). Cytogenetic location: 12q24.31.
Variant type: single nucleotide variant.
Coding change: c.683A>G on transcript NM_000545.8 (MANE Select); coding-DNA position 683, A replaced by G.
Protein change: p.Glu228Gly; replaces glutamic acid 228 with glycine.
Molecular consequence: missense variant.
Genome position (GRCh38, 1-based): chr12:120,993,676, A>G. VCF-style: chr12-120993676-A-G. GRCh37 (hg19) VCF-style: chr12-121431479-A-G.
Other names: NM_001306179.2:c.683A>G; c.683A>G, p.Glu228Gly (NM_001306179.2); short protein forms E228G.
Identifiers: ClinVar variation 1699997 (VCV001699997.2), dbSNP rs2135839809, ClinGen allele CA386965156.